The following is an entry in ClinVar:

ClinVar aggregate classification (germline): Pathogenic (1 of 4 stars; one submission).

Conditions:
Cardiovascular phenotype. Identifiers: MedGen CN230736.
Hereditary cancer-predisposing syndrome. Also called: Neoplastic Syndromes, Hereditary; Tumor predisposition; Hereditary Cancer Syndrome; Hereditary neoplastic syndrome. Identifiers: Orphanet 140162, MedGen C0027672, MeSH D009386, MONDO:0015356.

Submission:

Ambry Genetics
Classification: Pathogenic for Cardiovascular phenotype; Hereditary cancer-predisposing syndrome. Last evaluated: 2026-03-18. Review status: criteria provided, single submitter. Criteria: Ambry Variant Classification Scheme 2023. Collection method: clinical testing. Allele origin: germline.
Comment: The c.6986_6990delTATTC pathogenic mutation, located in coding exon 46 of the NF1 gene, results from a deletion of 5 nucleotides at nucleotide positions 6986 to 6990, causing a translational frameshift with a predicted alternate stop codon (p.I2329Kfs*2). This variant was reported in individual(s) with features consistent with neurofibromatosis type 1 (Ambry internal data). This variant is considered to be rare based on population cohorts in the Genome Aggregation Database (gnomAD). This alteration is expected to result in loss of function by premature protein truncation or nonsense-mediated mRNA decay. As such, this alteration is interpreted as a disease-causing mutation.

NM_001042492.3(NF1):c.7049_7053del (p.Ile2350fs)

Gene: NF1 (neurofibromin 1; plus strand). Cytogenetic location: 17q11.2.
Variant type: Deletion.
Coding change: c.7049_7053del on transcript NM_001042492.3 (MANE Select); coding-DNA positions 7049 to 7053, 5 bases deleted (TATTC; older notation c.7049_7053delTATTC).
Protein change: p.Ile2350fs; shifts the reading frame from isoleucine 2350.
Molecular consequence: frameshift variant.
Genome position (GRCh38, 1-based): chr17:31,340,632-31,340,636, TATTC deleted. VCF-style (leftmost placement, unchanged base first): chr17-31340631-ATATTC-A. GRCh37 (hg19) VCF-style: chr17-29667649-ATATTC-A.
Other names: c.6986_6990del, p.Ile2329fs (NM_000267.4); short protein forms I2329fs, I2350fs.
Identifiers: ClinVar variation 4860870 (VCV004860870.1).